The following is an entry in ClinVar:

NM_000256.3(MYBPC3):c.1624+1G>C

Gene: MYBPC3 (myosin binding protein C3; minus strand). Cytogenetic location: 11p11.2.
Variant type: single nucleotide variant.
Coding change: c.1624+1G>C on transcript NM_000256.3 (MANE Select); the canonical splice donor site of the intron after coding-DNA position 1624, G replaced by C.
Molecular consequence: splice donor variant.
Genome position (GRCh38, 1-based): chr11:47,342,577, C>G on the plus strand (G>C on the coding strand, the complement: MYBPC3 is on the minus strand). VCF-style: chr11-47342577-C-G. GRCh37 (hg19) VCF-style: chr11-47364128-C-G.
Identifiers: ClinVar variation 1329381 (VCV001329381.5), dbSNP rs1252584025, ClinGen allele CA380324978.

ClinVar aggregate classification (germline): Pathogenic/Likely pathogenic. Review status: criteria provided, multiple submitters, no conflicts (2 of 4 stars). 2 submissions from 2 submitters: Pathogenic (1); Likely pathogenic (1). Last evaluated 2023-12-30.

Conditions:
Cardiomyopathy (CMYO). Also called: Cardiomyopathies. Identifiers: Orphanet 167848, MedGen C0878544, MONDO:0004994, HP:0001638. Inheritance: Various modes of inheritance.
Hypertrophic cardiomyopathy. Also called: HYPERTROPHIC MYOCARDIOPATHY. Identifiers: Orphanet 217569, MedGen C0007194, MeSH D002312, MONDO:0005045, HP:0001639.

Submissions (2):

Labcorp Genetics (formerly Invitae), Labcorp
Classification: Pathogenic for Hypertrophic cardiomyopathy. Last evaluated: 2023-12-30. Review status: criteria provided, single submitter. Criteria: Invitae Variant Classification Sherloc (09022015). Collection method: clinical testing. Allele origin: germline.
Comment: This sequence change affects a donor splice site in intron 17 of the MYBPC3 gene. It is expected to disrupt RNA splicing. Variants that disrupt the donor or acceptor splice site typically lead to a loss of protein function (PMID: 16199547), and loss-of-function variants in MYBPC3 are known to be pathogenic (PMID: 19574547). This variant is not present in population databases (gnomAD no frequency). Disruption of this splice site has been observed in individuals with hypertrophic cardiomyopathy (PMID: 16679492; Invitae). ClinVar contains an entry for this variant (Variation ID: 1329381). Algorithms developed to predict the effect of sequence changes on RNA splicing suggest that this variant may disrupt the consensus splice site. For these reasons, this variant has been classified as Pathogenic.

CHEO Genetics Diagnostic Laboratory, Children's Hospital of Eastern Ontario
Classification: Likely pathogenic for Cardiomyopathy. Last evaluated: 2019-09-09. Review status: criteria provided, single submitter. Criteria: ACMG Guidelines, 2015. Collection method: clinical testing. Allele origin: germline.

Literature cited by the submitters: PubMed 16199547 (cited by Labcorp Genetics (formerly Invitae), Labcorp); PubMed 19574547 (cited by Labcorp Genetics (formerly Invitae), Labcorp); PubMed 16679492 (cited by Labcorp Genetics (formerly Invitae), Labcorp).